The following is an entry in ClinVar:

NM_000642.3(AGL):c.3428G>T (p.Gly1143Val)

Gene: AGL (amylo-alpha-1,6-glucosidase and 4-alpha-glucanotransferase; plus strand). Cytogenetic location: 1p21.2.
Variant type: single nucleotide variant.
Coding change: c.3428G>T on transcript NM_000642.3 (MANE Select); coding-DNA position 3428, G replaced by T.
Protein change: p.Gly1143Val; replaces glycine 1143 with valine.
Molecular consequence: missense variant.
Genome position (GRCh38, 1-based): chr1:99,900,701, G>T. VCF-style: chr1-99900701-G-T. GRCh37 (hg19) VCF-style: chr1-100366257-G-T.
Other names: c.3428G>T, p.Gly1143Val (NM_000028.3, NM_000643.3, NM_000644.3 and 1 more transcripts); c.3380G>T, p.Gly1127Val (NM_000646.3); c.3407G>T, p.Gly1136Val (NM_001425326.1); c.3227G>T, p.Gly1076Val (NM_001425327.1); c.3224G>T, p.Gly1075Val (NM_001425328.1); c.3089G>T, p.Gly1030Val (NM_001425329.1); c.3050G>T, p.Gly1017Val (NM_001425332.1); short protein forms G1143V, G1127V, G1017V, G1030V, G1075V, G1076V, G1136V.
Identifiers: ClinVar variation 1934732 (VCV001934732.8), dbSNP rs773302795, ClinGen allele CA967078.

ClinVar aggregate classification (germline): Uncertain significance. Review status: criteria provided, multiple submitters, no conflicts (2 of 4 stars). 3 submissions from 3 submitters: Uncertain significance (3). Last evaluated 2023-05-03.

Conditions:
Inborn genetic diseases. Identifiers: MedGen C0950123, MeSH D030342.
Glycogen storage disease type III (GSD3). Also called: Cori disease; FORBES DISEASE. Identifiers: Orphanet 366, MedGen C0017922, MONDO:0009291, OMIM 232400.

Allele frequency attached by ClinVar (database versions not stated): gnomAD exomes below 0.00001; ExAC 0.00001.
gnomAD v4.1: 2 of 1,614,104 alleles (0.00012%); highest among the groups gnomAD compares: East Asian, 0.0045%; no homozygotes.

Submissions (3):

Ambry Genetics
Classification: Uncertain significance for Inborn genetic diseases. Last evaluated: 2023-05-03. Review status: criteria provided, single submitter. Criteria: Ambry Variant Classification Scheme 2023. Collection method: clinical testing. Allele origin: germline.

Genome-Nilou Lab
Classification: Uncertain significance for Glycogen storage disease type III. Last evaluated: 2023-04-11. Review status: criteria provided, single submitter. Criteria: ACMG Guidelines, 2015. Collection method: clinical testing. Allele origin: germline. Affected: no.

Labcorp Genetics (formerly Invitae), Labcorp
Classification: Uncertain significance for Glycogen storage disease type III. Last evaluated: 2022-05-26. Review status: criteria provided, single submitter. Criteria: Invitae Variant Classification Sherloc (09022015). Collection method: clinical testing. Allele origin: germline.
Comment: Algorithms developed to predict the effect of missense changes on protein structure and function are either unavailable or do not agree on the potential impact of this missense change (SIFT: "Deleterious"; PolyPhen-2: "Probably Damaging"; Align-GVGD: "Class C0"). This sequence change replaces glycine, which is neutral and non-polar, with valine, which is neutral and non-polar, at codon 1143 of the AGL protein (p.Gly1143Val). This variant is present in population databases (rs773302795, gnomAD 0.006%). This variant has not been reported in the literature in individuals affected with AGL-related conditions. In summary, the available evidence is currently insufficient to determine the role of this variant in disease. Therefore, it has been classified as a Variant of Uncertain Significance.